The following is an entry in ClinVar:

NM_015425.6(POLR1A):c.818G>T (p.Gly273Val)

Gene: POLR1A (RNA polymerase I subunit A; minus strand). Cytogenetic location: 2p11.2.
Variant type: single nucleotide variant.
Coding change: c.818G>T on transcript NM_015425.6 (MANE Select); coding-DNA position 818, G replaced by T.
Protein change: p.Gly273Val; replaces glycine 273 with valine.
Molecular consequence: missense variant.
Genome position (GRCh38, 1-based): chr2:86,081,706, C>A on the plus strand (G>T on the coding strand, the complement: POLR1A is on the minus strand). VCF-style: chr2-86081706-C-A. GRCh37 (hg19) VCF-style: chr2-86308829-C-A.
Other names: short protein forms G273V.
Identifiers: ClinVar variation 3255114 (VCV003255114.2), dbSNP rs754448752.

ClinVar aggregate classification (germline): Uncertain significance (1 of 4 stars; one submission).

Conditions:
Acrofacial dysostosis Cincinnati type. Identifiers: Orphanet 1200, MedGen C4225317, MONDO:0014651, OMIM 616462.

Allele frequency attached by ClinVar (database versions not stated): gnomAD exomes 0.00001.
gnomAD v4.1: 7 of 1,585,456 alleles (0.00044%); highest among the groups gnomAD compares: Non-Finnish European, 0.0006%; no homozygotes.

Submission:

Victorian Clinical Genetics Services, Murdoch Childrens Research Institute
Classification: Uncertain significance for Acrofacial dysostosis Cincinnati type. Last evaluated: 2024-09-21. Review status: criteria provided, single submitter. Criteria: ACMG Guidelines, 2015. Collection method: clinical testing. Allele origin: germline. Inheritance: Autosomal dominant inheritance. Affected: yes.
Comment: Based on the classification scheme VCGS_Germline_v1.3.4, this variant is classified as VUS-3A. Following criteria are met: 0102 - Loss of function is a suggested mechanism of disease in this gene and is associated with acrofacial dysostosis, Cincinnati type (MIM#616462; PMIDs: 25913037, 28051070). (I) 0107 - This gene is associated with autosomal dominant disease. A recent publication has reported a broader phenotype associated with this gene (PMID: 37075751). (I) 0115 - Variants in this gene are known to have variable expressivity, with variable severity (PMID: 25913037). (I) 0200 - Variant is predicted to result in a missense amino acid change from glycine to valine. (I) 0251 - This variant is heterozygous. (I) 0301 - Variant is absent from gnomAD (both v2 and v3). (SP) 0501 - Missense variant consistently predicted to be damaging by multiple in silico tools or highly conserved with a major amino acid change. (SP) 0600 - Variant is located in the annotated RNA polymerase Rpb1, domain 1 (DECIPHER). (I) 0705 - No comparable missense variants have previous evidence for pathogenicity. (I) 0807 - This variant has no previous evidence of pathogenicity. (I) 0905 - No published segregation evidence has been identified for this variant. (I) 1007 - No published functional evidence has been identified for this variant. (I) 1208 - Inheritance information for this variant is not currently available in this individual. (I) Legend: (SP) - Supporting pathogenic, (I) - Information, (SB) - Supporting benign

Literature cited by the submitters: PubMed 25913037; PubMed 28051070; PubMed 37075751.